The following is an entry in ClinVar:

ClinVar aggregate classification (germline): Uncertain significance. Review status: criteria provided, multiple submitters, no conflicts (2 of 4 stars). 2 submissions from 2 submitters: Uncertain significance (2). Last evaluated 2024-08-20.

Allele frequency attached by ClinVar (database versions not stated): gnomAD exomes 0.00001; ExAC 0.00003; gnomAD 0.00006 and 0.00007; ESP Exome Variant Server 0.00008; TOPMed 0.00008.
gnomAD v4.1: 23 of 1,563,054 alleles (0.0015%); highest among the groups gnomAD compares: African/African-American, 0.024%; no homozygotes.

Submissions (2):

Labcorp Genetics (formerly Invitae), Labcorp
Classification: Uncertain significance. Last evaluated: 2024-08-20. Review status: criteria provided, single submitter. Criteria: Invitae Variant Classification Sherloc (09022015). Collection method: clinical testing. Allele origin: germline.
Comment: This sequence change falls in intron 22 of the COL9A3 gene. It does not directly change the encoded amino acid sequence of the COL9A3 protein. It affects a nucleotide within the consensus splice site. The frequency data for this variant in the population databases is considered unreliable, as metrics indicate poor data quality at this position in the gnomAD database. This variant has not been reported in the literature in individuals affected with COL9A3-related conditions. ClinVar contains an entry for this variant (Variation ID: 1180102). Variants that disrupt the consensus splice site are a relatively common cause of aberrant splicing (PMID: 17576681, 9536098). Algorithms developed to predict the effect of sequence changes on RNA splicing suggest that this variant is not likely to affect RNA splicing. In summary, the available evidence is currently insufficient to determine the role of this variant in disease. Therefore, it has been classified as a Variant of Uncertain Significance.

GeneDx
Classification: Uncertain significance. Last evaluated: 2022-04-11. Review status: criteria provided, single submitter. Criteria: GeneDx Variant Classification Process June 2021. Collection method: clinical testing. Allele origin: germline. Affected: yes.
Comment: Has not been previously published as pathogenic or benign to our knowledge; Not observed at a significant frequency in large population cohorts (gnomAD); In silico analysis supports that this variant does not alter splicing

Literature cited by the submitters: PubMed 17576681 (cited by Labcorp Genetics (formerly Invitae), Labcorp); PubMed 9536098 (cited by Labcorp Genetics (formerly Invitae), Labcorp).

NM_001853.4(COL9A3):c.1161+6T>C

Gene: COL9A3 (collagen type IX alpha 3 chain; plus strand). Cytogenetic location: 20q13.33.
Variant type: single nucleotide variant.
Coding change: c.1161+6T>C on transcript NM_001853.4 (MANE Select); 6 bases into the intron after coding-DNA position 1161, T replaced by C.
Molecular consequence: intron variant.
Genome position (GRCh38, 1-based): chr20:62,829,825, T>C. VCF-style: chr20-62829825-T-C. GRCh37 (hg19) VCF-style: chr20-61461177-T-C.
Identifiers: ClinVar variation 1180102 (VCV001180102.10), dbSNP rs373500557, ClinGen allele CA9949787.